The following is an entry in ClinVar:

NM_001927.4(DES):c.483G>C (p.Glu161Asp)

Gene: DES (desmin; plus strand). Cytogenetic location: 2q35.
Variant type: single nucleotide variant.
Coding change: c.483G>C on transcript NM_001927.4 (MANE Select); coding-DNA position 483, G replaced by C.
Protein change: p.Glu161Asp; replaces glutamic acid 161 with aspartic acid.
Molecular consequence: missense variant.
Genome position (GRCh38, 1-based): chr2:219,418,945, G>C. VCF-style: chr2-219418945-G-C. GRCh37 (hg19) VCF-style: chr2-220283667-G-C.
Other names: c.483G>C, p.Glu161Asp (NM_001382708.1, NM_001382709.1, NM_001382710.1 and 3 more transcripts); short protein forms E161D.
Identifiers: ClinVar variation 2450706 (VCV002450706.2), dbSNP rs2545248058, ClinGen allele CA350686583.
Genomic context (GRCh38, chr2:219,418,945, plus strand): 5'-CCGGCTCAAGGGCCGCGAGCCGACGCGAGTGGCCGAGCTCTACGAGGAGGAGCTGCGGGA[G>C]CTGCGGCGCCAGGTGGAGGTGCTCACTAACCAGCGCGCGCGCGTCGACGTCGAGCGCGAC-3'
Protein context (NP_001918.3, residues 151-171): VAELYEEELR[Glu161Asp]LRRQVEVLTN

ClinVar aggregate classification (germline): Uncertain significance (1 of 4 stars; one submission).

Conditions:
Cardiovascular phenotype. Identifiers: MedGen CN230736.

Submission:

Ambry Genetics
Classification: Uncertain significance for Cardiovascular phenotype. Last evaluated: 2023-03-07. Review status: criteria provided, single submitter. Criteria: Ambry Variant Classification Scheme 2023. Collection method: clinical testing. Allele origin: germline.
Comment: The p.E161D variant (also known as c.483G>C), located in coding exon 1 of the DES gene, results from a G to C substitution at nucleotide position 483. The glutamic acid at codon 161 is replaced by aspartic acid, an amino acid with highly similar properties. This amino acid position is conserved. In addition, the in silico prediction for this alteration is inconclusive. Since supporting evidence is limited at this time, the clinical significance of this alteration remains unclear.